The following is an entry in ClinVar:

NM_030973.4(MED25):c.1919del (p.Pro640fs)

Gene: MED25 (mediator complex subunit 25; plus strand). Cytogenetic location: 19q13.33.
Variant type: Deletion.
Coding change: c.1919del on transcript NM_030973.4 (MANE Select); coding-DNA position 1919, one base deleted (C; older notation c.1919delC).
Protein change: p.Pro640fs; shifts the reading frame from proline 640.
Molecular consequence: frameshift variant.
Genome position (GRCh38, 1-based): chr19:49,835,899, C deleted; the last of 3 consecutive C bases (chr19:49,835,897-49,835,899); deleting any one gives the same sequence. VCF-style (leftmost placement, unchanged base first): chr19-49835896-AC-A. GRCh37 (hg19) VCF-style: chr19-50339153-AC-A.
Other names: c.1919delC (NM_030973.3); c.1919del, p.Pro640fs (NM_001378355.1); short protein forms P640fs.
Identifiers: ClinVar variation 619179 (VCV000619179.12), dbSNP rs1223073957, ClinGen allele CA633894388.

ClinVar aggregate classification (germline): Conflicting classifications of pathogenicity. Review status: criteria provided, conflicting classifications (1 of 4 stars). 4 submissions from 4 submitters: Pathogenic (2); Likely pathogenic (1); Uncertain significance (1). Last evaluated 2024-07-07.

Conditions:
Charcot-Marie-Tooth disease type 2. Also called: Charcot-Marie-Tooth type 2. Identifiers: Orphanet 64746, MedGen C0270914, MONDO:0018993.
Congenital cataract-microcephaly-nevus flammeus simplex-severe intellectual disability syndrome. Also called: Basel-Vanagaite-Smirin-Yosef syndrome. Identifiers: Orphanet 464738, MedGen C4225323, MONDO:0014643, OMIM 616449.

Submissions (4):

Labcorp Genetics (formerly Invitae), Labcorp
Classification: Uncertain significance for Charcot-Marie-Tooth disease type 2. Last evaluated: 2024-07-07. Review status: criteria provided, single submitter. Criteria: Invitae Variant Classification Sherloc (09022015). Collection method: clinical testing. Allele origin: germline.
Comment: This sequence change creates a premature translational stop signal (p.Pro640Leufs*81) in the MED25 gene. While this is not anticipated to result in nonsense mediated decay, it is expected to disrupt the last 108 amino acid(s) of the MED25 protein. This variant is present in population databases (no rsID available, gnomAD 0.009%). This variant has not been reported in the literature in individuals affected with MED25-related conditions. ClinVar contains an entry for this variant (Variation ID: 619179). Experimental studies and prediction algorithms are not available or were not evaluated, and the functional significance of this variant is currently unknown. In summary, the available evidence is currently insufficient to determine the role of this variant in disease. Therefore, it has been classified as a Variant of Uncertain Significance.

Dasa
Classification: Likely pathogenic. Last evaluated: 2024-06-07. Review status: criteria provided, single submitter. Criteria: DASA Assertion Criteria. Collection method: clinical testing. Allele origin: germline.
Comment: NM_030973.4(MED25):c.1919del (p.Pro640Leufs*81) is a frameshift variant in MED25 predicted to alter the reading frame and introduce a premature termination codon and is predicted to result in an absent or altered protein product. Loss of function is an established disease mechanism for MED25-associated disorders. This variant has been reported in individuals with MED25-related disorders. Also, this variant is rare in population databases. Based on the currently available evidence, this variant is classified as likely pathogenic.

Laboratorio de Genetica e Diagnostico Molecular, Hospital Israelita Albert Einstein
Classification: Pathogenic for Congenital cataract-microcephaly-nevus flammeus simplex-severe intellectual disability syndrome. Last evaluated: 2022-07-12. Review status: criteria provided, single submitter. Criteria: ACMG Guidelines, 2015. Collection method: clinical testing. Allele origin: germline. Affected: yes. Observed: 1 variant allele.
Comment: ACMG classification criteria: PVS1 very strong, PS4 supporting, PM2 moderated

Medical Genetics Lab, Policlinico S. Orsola.Malpighi
Classification: Pathogenic for Congenital cataract-microcephaly-nevus flammeus simplex-severe intellectual disability syndrome. Last evaluated: 2019-02-14. Review status: criteria provided, single submitter. Criteria: ACMG Guidelines, 2015. Collection method: clinical testing. Allele origin: maternal. Inheritance: Autosomal recessive inheritance. Affected: yes. Observed: 1 compound heterozygote.
Comment: This is a null (frame-shift) variant affecting MED25, which is a known mechanism of disease. It is a very rare variant, only 3 alleles in GnomAD, allele frequency = 0.0000125 is smaller than 0.0001 threshold for recessive gene MED25. Patient's phenotype is highly specific for a disease with a single genetic etiology. Segregation analysis indicated that the two variants are in compound heterozygosity.